The following is an entry in ClinVar:

ClinVar aggregate classification (germline): Uncertain significance. Review status: criteria provided, multiple submitters, no conflicts (2 of 4 stars). 2 submissions from 2 submitters: Uncertain significance (2). Last evaluated 2025-07-18.

Conditions:
Hereditary cancer-predisposing syndrome. Also called: Neoplastic Syndromes, Hereditary; Tumor predisposition; Hereditary Cancer Syndrome; Hereditary neoplastic syndrome. Identifiers: Orphanet 140162, MedGen C0027672, MeSH D009386, MONDO:0015356.
Familial adenomatous polyposis 1 (FAP1). Also called: FAMILIAL ADENOMATOUS POLYPOSIS 1, ATTENUATED; POLYPOSIS, ADENOMATOUS INTESTINAL. Identifiers: MedGen C2713442, MONDO:0021056, OMIM 175100. Disease mechanism: loss of function.

Submissions (2):

Labcorp Genetics (formerly Invitae), Labcorp
Classification: Uncertain significance for Familial adenomatous polyposis 1. Last evaluated: 2025-07-18. Review status: criteria provided, single submitter. Criteria: Invitae Variant Classification Sherloc (09022015). Collection method: clinical testing. Allele origin: germline.
Comment: This variant occurs in a non-coding region of the APC gene. It does not change the encoded amino acid sequence of the APC protein. This variant is not present in population databases (gnomAD no frequency). This variant has not been reported in the literature in individuals affected with APC-related conditions. Experimental studies and prediction algorithms are not available or were not evaluated, and the functional significance of this variant is currently unknown. In summary, the available evidence is currently insufficient to determine the role of this variant in disease. Therefore, it has been classified as a Variant of Uncertain Significance.

Color Diagnostics, LLC DBA Color Health
Classification: Uncertain significance for Hereditary cancer-predisposing syndrome. Last evaluated: 2025-04-01. Review status: criteria provided, single submitter. Criteria: ACMG Guidelines, 2015. Collection method: clinical testing. Allele origin: germline.
Comment: This variant causes a C to T nucleotide substitution in the promoter 1B region of the APC gene. This variant is located 47369 bp upstream or 5' to the translational start codon for Ensembl transcript, ENST00000257430, and this variant is also known as NM_001127511.3:c.-196C>T in ClinVar. To our knowledge, functional studies have not been reported for this variant. This variant has not been reported in individuals affected with APC-related disorders in the literature. This variant has not been identified in the general population by the Genome Aggregation Database (gnomAD). The available evidence is insufficient to determine the role of this variant in disease conclusively. Therefore, this variant is classified as a Variant of Uncertain Significance.

NM_001127511.3(APC):c.-196C>T

Genes: APC (APC regulator of Wnt signaling pathway; plus strand), LOC129994371 (ATAC-STARR-seq lymphoblastoid active region 22910; plus strand). Cytogenetic location: 5q22.2.
Variant type: single nucleotide variant.
Coding change: c.-196C>T on transcript NM_001127511.3; 196 bases upstream of the start codon, C replaced by T.
Molecular consequence: 5 prime UTR variant. On other transcripts: non-coding transcript variant (2).
Genome position (GRCh38, 1-based): chr5:112,707,522, C>T. VCF-style: chr5-112707522-C-T. GRCh37 (hg19) VCF-style: chr5-112043219-C-T.
Other names: c.-379C>T (NM_001354895.2, NM_001407447.1, NM_001407452.1 and 3 more transcripts); c.-196C>T (NM_001354897.2, NM_001354902.2, NM_001407446.1); c.-146C>T (NM_001407448.1, NM_001407450.1, NM_001407457.1 and 1 more transcripts); c.-170C>T (NM_001407453.1); c.-1414C>T (NM_001407470.1, NM_001407472.1).
Identifiers: ClinVar variation 1064093 (VCV001064093.3), dbSNP rs2149629177, ClinGen allele CA2499217382.